The following is an entry in ClinVar:

ClinVar aggregate classification (germline): Uncertain significance (1 of 4 stars; one submission).

Conditions:
Ehlers-Danlos syndrome, classic type, 1 (EDSCL1). Also called: EHLERS-DANLOS SYNDROME, GRAVIS TYPE; EHLERS-DANLOS SYNDROME, SEVERE CLASSIC TYPE; Ehlers-Danlos syndrome, type 1; Ehlers-Danlos Syndrome, Classic Type, COL5A1-Related; EDS I. Identifiers: MedGen C0268335, MONDO:0019567, OMIM 130000.

Submission:

Labcorp Genetics (formerly Invitae), Labcorp
Classification: Uncertain significance for Ehlers-Danlos syndrome, classic type, 1. Last evaluated: 2026-01-06. Review status: criteria provided, single submitter. Criteria: Invitae Variant Classification Sherloc (09022015). Collection method: clinical testing. Allele origin: germline.
Comment: This sequence change replaces threonine, which is neutral and polar, with serine, which is neutral and polar, at codon 378 of the COL5A1 protein (p.Thr378Ser). This variant is not present in population databases (gnomAD no frequency). This variant has not been reported in the literature in individuals affected with COL5A1-related conditions. Invitae Evidence Modeling of protein sequence and biophysical properties (such as structural, functional, and spatial information, amino acid conservation, physicochemical variation, residue mobility, and thermodynamic stability) indicates that this missense variant is not expected to disrupt COL5A1 protein function with a negative predictive value of 95%. In summary, the available evidence is currently insufficient to determine the role of this variant in disease. Therefore, it has been classified as a Variant of Uncertain Significance.

NM_000093.5(COL5A1):c.1133C>G (p.Thr378Ser)

Gene: COL5A1 (collagen type V alpha 1 chain; plus strand). Cytogenetic location: 9q34.3.
Variant type: single nucleotide variant.
Coding change: c.1133C>G on transcript NM_000093.5 (MANE Select); coding-DNA position 1133, C replaced by G.
Protein change: p.Thr378Ser; replaces threonine 378 with serine.
Molecular consequence: missense variant.
Genome position (GRCh38, 1-based): chr9:134,730,444, C>G. VCF-style: chr9-134730444-C-G. GRCh37 (hg19) VCF-style: chr9-137622290-C-G.
Other names: c.1133C>G, p.Thr378Ser (NM_001278074.1); short protein forms T378S.
Identifiers: ClinVar variation 4781563 (VCV004781563.1).